The following is an entry in ClinVar:

NM_003193.5(TBCE):c.373C>T (p.Gln125Ter)

Gene: TBCE (tubulin folding cofactor E; plus strand). Cytogenetic location: 1q42.3.
Variant type: single nucleotide variant.
Coding change: c.373C>T on transcript NM_003193.5 (MANE Select); coding-DNA position 373, C replaced by T.
Protein change: p.Gln125Ter; replaces glutamine 125 with a stop codon.
Molecular consequence: nonsense.
Genome position (GRCh38, 1-based): chr1:235,419,474, C>T. VCF-style: chr1-235419474-C-T. GRCh37 (hg19) VCF-style: chr1-235582789-C-T.
Other names: c.373C>T, p.Gln125Ter (NM_001287801.2, NM_001079515.3); c.34C>T, p.Gln12Ter (NM_001287802.2); short protein forms Q12*, Q125*.
Identifiers: ClinVar variation 2781038 (VCV002781038.3), dbSNP rs903796415, ClinGen allele CA39573316.

ClinVar aggregate classification (germline): Pathogenic (1 of 4 stars; one submission).

Submission:

Labcorp Genetics (formerly Invitae), Labcorp
Classification: Pathogenic. Last evaluated: 2023-10-13. Review status: criteria provided, single submitter. Criteria: Invitae Variant Classification Sherloc (09022015). Collection method: clinical testing. Allele origin: germline.
Comment: This sequence change creates a premature translational stop signal (p.Gln125*) in the TBCE gene. It is expected to result in an absent or disrupted protein product. Loss-of-function variants in TBCE are known to be pathogenic (PMID: 27666369, 34134906, 34356170). This variant is not present in population databases (gnomAD no frequency). This variant has not been reported in the literature in individuals affected with TBCE-related conditions. For these reasons, this variant has been classified as Pathogenic.

Literature cited by the submitters: PubMed 27666369; PubMed 34134906; PubMed 34356170.